The following is an entry in ClinVar:

NM_000355.4(TCN2):c.559C>T (p.His187Tyr)

Gene: TCN2 (transcobalamin 2; plus strand). Cytogenetic location: 22q12.2.
Variant type: single nucleotide variant.
Coding change: c.559C>T on transcript NM_000355.4 (MANE Select); coding-DNA position 559, C replaced by T.
Protein change: p.His187Tyr; replaces histidine 187 with tyrosine.
Molecular consequence: missense variant.
Genome position (GRCh38, 1-based): chr22:30,614,480, C>T. VCF-style: chr22-30614480-C-T. GRCh37 (hg19) VCF-style: chr22-31010467-C-T.
Other names: c.478C>T, p.His160Tyr (NM_001184726.2); short protein forms H160Y, H187Y.
Identifiers: ClinVar variation 899424 (VCV000899424.8), dbSNP rs1295178933, ClinGen allele CA411211019.

ClinVar aggregate classification (germline): Uncertain significance. Review status: criteria provided, multiple submitters, no conflicts (2 of 4 stars). 2 submissions from 2 submitters: Uncertain significance (2). Last evaluated 2022-09-27.

Conditions:
Transcobalamin II deficiency (TCN2D). Also called: TC II DEFICIENCY; TCN2 DEFICIENCY; Transcolabamin II deficiency. Identifiers: Orphanet 859, MedGen C0342701, MONDO:0010149, OMIM 275350.

Allele frequency attached by ClinVar (database versions not stated): gnomAD 0.00001; TOPMed 0.00001; gnomAD exomes 0.00002.
gnomAD v4.1: 34 of 1,614,064 alleles (0.0021%); highest among the groups gnomAD compares: East Asian, 0.062%; no homozygotes.

Submissions (2):

Labcorp Genetics (formerly Invitae), Labcorp
Classification: Uncertain significance for Transcobalamin II deficiency. Last evaluated: 2022-09-27. Review status: criteria provided, single submitter. Criteria: Invitae Variant Classification Sherloc (09022015). Collection method: clinical testing. Allele origin: germline.
Comment: This sequence change replaces histidine, which is basic and polar, with tyrosine, which is neutral and polar, at codon 187 of the TCN2 protein (p.His187Tyr). This variant is not present in population databases (gnomAD no frequency). This variant has not been reported in the literature in individuals affected with TCN2-related conditions. ClinVar contains an entry for this variant (Variation ID: 899424). Advanced modeling of protein sequence and biophysical properties (such as structural, functional, and spatial information, amino acid conservation, physicochemical variation, residue mobility, and thermodynamic stability) performed at Invitae indicates that this missense variant is not expected to disrupt TCN2 protein function. In summary, the available evidence is currently insufficient to determine the role of this variant in disease. Therefore, it has been classified as a Variant of Uncertain Significance.

Illumina Laboratory Services, Illumina
Classification: Uncertain significance for Transcobalamin II deficiency. Last evaluated: 2018-01-13. Review status: criteria provided, single submitter. Criteria: ICSL Variant Classification Criteria 13 December 2019. Collection method: clinical testing. Allele origin: germline.